The following is an entry in ClinVar:

NM_080680.3(COL11A2):c.4265C>T (p.Pro1422Leu)

Gene: COL11A2 (collagen type XI alpha 2 chain; minus strand). Cytogenetic location: 6p21.32.
Variant type: single nucleotide variant.
Coding change: c.4265C>T on transcript NM_080680.3 (MANE Select); coding-DNA position 4265, C replaced by T.
Protein change: p.Pro1422Leu; replaces proline 1422 with leucine.
Molecular consequence: missense variant.
Genome position (GRCh38, 1-based): chr6:33,166,793, G>A on the plus strand (C>T on the coding strand, the complement: COL11A2 is on the minus strand). VCF-style: chr6-33166793-G-A. GRCh37 (hg19) VCF-style: chr6-33134570-G-A.
Other names: c.3944C>T, p.Pro1315Leu (NM_080679.3); c.4007C>T, p.Pro1336Leu (NM_080681.3); short protein forms P1422L, P1315L, P1336L.
Identifiers: ClinVar variation 356385 (VCV000356385.18), dbSNP rs555936333, ClinGen allele CA3750150.

ClinVar aggregate classification (germline): Benign/Likely benign. Review status: criteria provided, multiple submitters, no conflicts (2 of 4 stars). 6 submissions from 5 submitters: Benign (2); Likely benign (4). Last evaluated 2026-01-26.

Conditions:
Fibrochondrogenesis 2 (FBCG2). Identifiers: Orphanet 2021, MedGen C3281128, MONDO:0013795, OMIM 614524.
Otospondylomegaepiphyseal dysplasia, autosomal recessive (OSMEDB). Also called: CHONDRODYSTROPHY WITH SENSORINEURAL DEAFNESS; Insley-Astley syndrome. Identifiers: Orphanet 1427, MedGen CN034493, MONDO:0044206, OMIM 215150.

Allele frequency attached by ClinVar (database versions not stated): gnomAD 0.00036 and 0.00045; TOPMed 0.00056; 1000 Genomes Project 30x 0.00094; ExAC 0.00110; 1000 Genomes Project 0.00120.
gnomAD v4.1: 561 of 1,613,270 alleles (0.035%); highest among the groups gnomAD compares: East Asian, 1.1%; 3 homozygotes.

Submissions (6):

Labcorp Genetics (formerly Invitae), Labcorp
Classification: Benign. Last evaluated: 2026-01-26. Review status: criteria provided, single submitter. Criteria: Invitae Variant Classification Sherloc (09022015). Collection method: clinical testing. Allele origin: germline.

Blueprint Genetics
Classification: Likely benign. Last evaluated: 2024-11-15. Review status: criteria provided, single submitter. Criteria: ACMG Guidelines, 2015. Collection method: clinical testing. Allele origin: germline.

GeneDx
Classification: Likely benign. Last evaluated: 2020-07-15. Review status: criteria provided, single submitter. Criteria: GeneDx Variant Classification Process June 2021. Collection method: clinical testing. Allele origin: germline. Affected: yes.
Comment: This variant is associated with the following publications: (PMID: 22938506, 23967202, 30245029)

Illumina Laboratory Services, Illumina
Classification: Likely benign for Fibrochondrogenesis 2. Last evaluated: 2017-04-27. Review status: criteria provided, single submitter. Criteria: ICSL Variant Classification Criteria 13 December 2019. Collection method: clinical testing. Allele origin: germline.
Comment: This variant was observed as part of a predisposition screen in an ostensibly healthy population. A literature search was performed for the gene, cDNA change, and amino acid change (where applicable). No publications were found based on this search. Allele frequency data from public databases allowed determination this variant is unlikely to cause disease. Therefore, this variant is classified as likely benign.

Illumina Laboratory Services, Illumina
Classification: Likely benign for Otospondylomegaepiphyseal dysplasia, autosomal recessive. Last evaluated: 2017-04-27. Review status: criteria provided, single submitter. Criteria: ICSL Variant Classification Criteria 13 December 2019. Collection method: clinical testing. Allele origin: germline.
Comment: the same text as in the submission from Illumina Laboratory Services, Illumina above.

Laboratory for Molecular Medicine, Mass General Brigham Personalized Medicine
Classification: Benign. Last evaluated: 2017-02-10. Review status: criteria provided, single submitter. Criteria: LMM Criteria. Collection method: clinical testing. Allele origin: germline. Observed: 2 variant alleles.
Comment: p.Pro1422Leu in exon 59 of COL11A2: This variant is not expected to have clinica l significance because it has been identified in 1.5% (125/8496) of East Asian c hromosomes by the Exome Aggregation Consortium (ExAC .org; dbSNP rs555936333).

Literature cited by the submitters: PubMed 23967202 (cited by Laboratory for Molecular Medicine, Mass General Brigham Personalized Medicine); PubMed 22938506 (cited by Laboratory for Molecular Medicine, Mass General Brigham Personalized Medicine).